The following is an entry in ClinVar:

ClinVar aggregate classification (germline): Likely benign. Review status: criteria provided, single submitter (1 of 4 stars). 2 submissions from 2 submitters: Likely benign (1). 1 of the submissions does not count toward it. Last evaluated 2023-07-24.

Conditions:
TAT-related disorder. Also called: TAT-related condition.
Tyrosinemia type II (TYRSN2). Also called: OREGON TYPE TYROSINEMIA; TAT DEFICIENCY; TYROSINE AMINOTRANSFERASE DEFICIENCY; TYROSINE TRANSAMINASE DEFICIENCY; KERATOSIS PALMOPLANTARIS WITH CORNEAL DYSTROPHY. Identifiers: Orphanet 28378, MedGen C0268487, MONDO:0010160, OMIM 276600.

Submissions (2):

Labcorp Genetics (formerly Invitae), Labcorp
Classification: Likely benign for Tyrosinemia type II. Last evaluated: 2023-07-24. Review status: criteria provided, single submitter. Criteria: Invitae Variant Classification Sherloc (09022015). Collection method: clinical testing. Allele origin: germline.

PreventionGenetics, part of Exact Sciences
Classification: Likely benign for TAT-related condition. Last evaluated: 2019-08-14. Review status: no assertion criteria provided. Collection method: clinical testing. Allele origin: germline. Not counted in ClinVar's aggregate classification.
Comment: This variant is classified as likely benign based on ACMG/AMP sequence variant interpretation guidelines (Richards et al. 2015 PMID: 25741868, with internal and published modifications).

NM_000353.3(TAT):c.531G>A (p.Glu177=)

Genes: TAT (tyrosine aminotransferase; minus strand), LOC111413029 (BRD4-independent group 4 enhancer GRCh37_chr16:71605697-71606896; plus strand). Cytogenetic location: 16q22.2.
Variant type: single nucleotide variant.
Coding change: c.531G>A on transcript NM_000353.3 (MANE Select); coding-DNA position 531, G replaced by A.
Protein change: p.Glu177=; no amino-acid change (glutamic acid 177 retained).
Molecular consequence: synonymous variant.
Genome position (GRCh38, 1-based): chr16:71,572,566, C>T on the plus strand (G>A on the coding strand, the complement: TAT is on the minus strand). VCF-style: chr16-71572566-C-T. GRCh37 (hg19) VCF-style: chr16-71606469-C-T.
Other names: c.531G>A (NM_000353.2).
Identifiers: ClinVar variation 1539587 (VCV001539587.10), dbSNP rs763295882, ClinGen allele CA496409668.